The following is an entry in ClinVar:

NM_001102401.4(TTI2):c.375G>A (p.Gly125=)

Gene: TTI2 (TELO2 interacting protein 2; minus strand). Cytogenetic location: 8p12.
Variant type: single nucleotide variant.
Coding change: c.375G>A on transcript NM_001102401.4 (MANE Select); coding-DNA position 375, G replaced by A.
Protein change: p.Gly125=; no amino-acid change (glycine 125 retained).
Molecular consequence: synonymous variant.
Genome position (GRCh38, 1-based): chr8:33,512,239, C>T on the plus strand (G>A on the coding strand, the complement: TTI2 is on the minus strand). VCF-style: chr8-33512239-C-T. GRCh37 (hg19) VCF-style: chr8-33369757-C-T.
Other names: c.375G>A, p.Gly125= (NM_001265581.2, NM_001330505.3, NM_001440381.1 and 1 more transcripts).
Identifiers: ClinVar variation 4823436 (VCV004823436.4).
Genomic context (GRCh38, chr8:33,512,239, plus strand): 5'-GTGATGCAGGCCCGTCTGCCATGCAGGGCCGACCAGGGAATTCTTAGCAGTCTCAACTTT[C>T]CCTAACAGTTTAAGAAACAGTAACCCAACTTGGGCTGCTTTCTCGGCCGCTTCGGAGTGC-3'
Protein context (NP_001095871.1, residues 115-135): QVGLLFLKLL[Gly125=]KVETAKNSLV

ClinVar aggregate classification (germline): Likely benign (1 of 4 stars; one submission).

Submission:

CeGaT Center for Human Genetics Tuebingen
Classification: Likely benign. Last evaluated: 2026-02-01. Review status: criteria provided, single submitter. Criteria: CeGaT Center For Human Genetics Tuebingen Variant Classification Criteria Version 2. Collection method: clinical testing. Allele origin: germline. Affected: yes. Observed: 1 variant allele.
Comment: TTI2: BP4, BP7